The following is an entry in ClinVar:

ClinVar aggregate classification (germline): Uncertain significance (1 of 4 stars; one submission).

gnomAD v4.1: 1 of 1,611,414 alleles (0.000062%); highest among the groups gnomAD compares: Non-Finnish European, 0.000085%; no homozygotes.

Submission:

GeneDx
Classification: Uncertain significance. Last evaluated: 2024-11-05. Review status: criteria provided, single submitter. Criteria: GeneDx Variant Classification Process June 2021. Collection method: clinical testing. Allele origin: germline. Affected: yes.
Comment: Nonsense variant predicted to result in protein truncation or nonsense mediated decay in a gene or region of a gene for which loss of function is not a well-established mechanism of disease; Not observed at significant frequency in large population cohorts (gnomAD); Has not been previously published as pathogenic or benign to our knowledge

NM_001378328.1(CELSR1):c.7216C>T (p.Arg2406Ter)

Gene: CELSR1 (cadherin EGF LAG seven-pass G-type receptor 1; minus strand). Cytogenetic location: 22q13.31.
Variant type: single nucleotide variant.
Coding change: c.7216C>T on transcript NM_001378328.1 (MANE Select); coding-DNA position 7216, C replaced by T.
Protein change: p.Arg2406Ter; replaces arginine 2406 with a stop codon.
Molecular consequence: nonsense.
Genome position (GRCh38, 1-based): chr22:46,380,828, G>A on the plus strand (C>T on the coding strand, the complement: CELSR1 is on the minus strand). VCF-style: chr22-46380828-G-A. GRCh37 (hg19) VCF-style: chr22-46776725-G-A.
Other names: c.7216C>T, p.Arg2406Ter (NM_014246.4); short protein forms R2406*.
Identifiers: ClinVar variation 3897149 (VCV003897149.1).
Genomic context (GRCh38, chr22:46,380,828, plus strand): 5'-GCTCCTGGCGTCACACTTACGCCAGGGAGTGGTTCCAGAACACGCAGACAGGCTTGGTTC[G>A]CTCCTCCACCTCCAGCAGGGCGAACTCCACCAGGACGGGCCTCTCCAGGGGTCTCGGGAG-3'